The following is an entry in ClinVar:

ClinVar aggregate classification (germline): Conflicting classifications of pathogenicity. Review status: criteria provided, conflicting classifications (1 of 4 stars). 2 submissions from 2 submitters: Uncertain significance (1); Benign (1). Last evaluated 2023-12-09.

Conditions:
Methylmalonic acidemia with homocystinuria, type cblX (MAHCX). Also called: INTELLECTUAL DEVELOPMENTAL DISORDER, X-LINKED 3. Identifiers: Orphanet 369962, MedGen C0796208, MONDO:0010657, OMIM 309541.

Allele frequency attached by ClinVar (database versions not stated): gnomAD 0.00003; TOPMed 0.00004; gnomAD exomes 0.00005; ExAC 0.00014; ESP Exome Variant Server 0.00021.
gnomAD v4.1: 54 of 1,181,380 alleles (0.0046%); highest among the groups gnomAD compares: South Asian, 0.011%; no homozygotes.

Submissions (2):

Labcorp Genetics (formerly Invitae), Labcorp
Classification: Benign for Methylmalonic acidemia with homocystinuria, type cblX. Last evaluated: 2023-12-09. Review status: criteria provided, single submitter. Criteria: Invitae Variant Classification Sherloc (09022015). Collection method: clinical testing. Allele origin: germline.

Baylor Genetics
Classification: Uncertain significance for Methylmalonic acidemia with homocystinuria, type cblX. Last evaluated: 2018-05-14. Review status: criteria provided, single submitter. Criteria: ACMG Guidelines, 2015. Collection method: clinical testing. Allele origin: maternal. Affected: yes.
Comment: This variant was determined to be of uncertain significance according to ACMG Guidelines, 2015 [PMID:25741868].

NM_005334.3(HCFC1):c.4566G>A (p.Ser1522=)

Gene: HCFC1 (host cell factor C1; minus strand). Cytogenetic location: Xq28.
Variant type: single nucleotide variant.
Coding change: c.4566G>A on transcript NM_005334.3 (MANE Select); coding-DNA position 4566, G replaced by A.
Protein change: p.Ser1522=; no amino-acid change (serine 1522 retained).
Molecular consequence: synonymous variant.
Genome position (GRCh38, 1-based): chrX:153,952,890, C>T on the plus strand (G>A on the coding strand, the complement: HCFC1 is on the minus strand). VCF-style: chrX-153952890-C-T. GRCh37 (hg19) VCF-style: chrX-153218341-C-T.
Identifiers: ClinVar variation 1032310 (VCV001032310.4), dbSNP rs371874117, ClinGen allele CA10556947.